The following is an entry in ClinVar:

ClinVar aggregate classification (germline): Uncertain significance (1 of 4 stars; one submission).

Conditions:
Werner syndrome (WRN). Identifiers: Orphanet 902, MedGen C0043119, MONDO:0010196, OMIM 277700.

Allele frequency attached by ClinVar (database versions not stated): TOPMed below 0.00001; gnomAD exomes 0.00001.
gnomAD v4.1: 20 of 1,610,622 alleles (0.0012%); highest among the groups gnomAD compares: Non-Finnish European, 0.0014%; no homozygotes.

Submission:

Labcorp Genetics (formerly Invitae), Labcorp
Classification: Uncertain significance for Werner syndrome. Last evaluated: 2025-02-26. Review status: criteria provided, single submitter. Criteria: Invitae Variant Classification Sherloc (09022015). Collection method: clinical testing. Allele origin: germline.
Comment: This sequence change replaces tyrosine, which is neutral and polar, with cysteine, which is neutral and slightly polar, at codon 293 of the WRN protein (p.Tyr293Cys). This variant is present in population databases (no rsID available, gnomAD 0.0009%). This variant has not been reported in the literature in individuals affected with WRN-related conditions. ClinVar contains an entry for this variant (Variation ID: 953619). An algorithm developed to predict the effect of missense changes on protein structure and function outputs the following: PolyPhen-2: "Benign". The cysteine amino acid residue is found in multiple mammalian species, which suggests that this missense change does not adversely affect protein function. In summary, the available evidence is currently insufficient to determine the role of this variant in disease. Therefore, it has been classified as a Variant of Uncertain Significance.

NM_000553.6(WRN):c.878A>G (p.Tyr293Cys)

Gene: WRN (WRN RecQ like helicase; plus strand). Cytogenetic location: 8p12.
Variant type: single nucleotide variant.
Coding change: c.878A>G on transcript NM_000553.6 (MANE Select); coding-DNA position 878, A replaced by G.
Protein change: p.Tyr293Cys; replaces tyrosine 293 with cysteine.
Molecular consequence: missense variant.
Genome position (GRCh38, 1-based): chr8:31,080,905, A>G. VCF-style: chr8-31080905-A-G. GRCh37 (hg19) VCF-style: chr8-30938421-A-G.
Other names: short protein forms Y293C.
Identifiers: ClinVar variation 953619 (VCV000953619.6), dbSNP rs868800821, ClinGen allele CA174858383.